The following is an entry in ClinVar:

ClinVar aggregate classification (germline): Uncertain significance (1 of 4 stars; one submission).

Conditions:
Episodic kinesigenic dyskinesia (EKD). Also called: Paroxysmal kinesigenic dyskinesia. Identifiers: Orphanet 98809, MedGen C1868682, MONDO:0044202.

Allele frequency attached by ClinVar (database versions not stated): TOPMed below 0.00001.

Submission:

Labcorp Genetics (formerly Invitae), Labcorp
Classification: Uncertain significance for Episodic kinesigenic dyskinesia. Last evaluated: 2025-03-25. Review status: criteria provided, single submitter. Criteria: Invitae Variant Classification Sherloc (09022015). Collection method: clinical testing. Allele origin: germline.
Comment: This sequence change replaces glycine, which is neutral and non-polar, with aspartic acid, which is acidic and polar, at codon 33 of the PRRT2 protein (p.Gly33Asp). This variant is not present in population databases (gnomAD no frequency). This variant has not been reported in the literature in individuals affected with PRRT2-related conditions. ClinVar contains an entry for this variant (Variation ID: 1357817). Invitae Evidence Modeling of protein sequence and biophysical properties (such as structural, functional, and spatial information, amino acid conservation, physicochemical variation, residue mobility, and thermodynamic stability) indicates that this missense variant is not expected to disrupt PRRT2 protein function with a negative predictive value of 95%. In summary, the available evidence is currently insufficient to determine the role of this variant in disease. Therefore, it has been classified as a Variant of Uncertain Significance.

NM_145239.3(PRRT2):c.98G>A (p.Gly33Asp)

Genes: MVP-DT (MVP divergent transcript; minus strand), PRRT2 (proline rich transmembrane protein 2; plus strand). Cytogenetic location: 16p11.2.
Variant type: single nucleotide variant.
Coding change: c.98G>A on transcript NM_145239.3 (MANE Select); coding-DNA position 98, G replaced by A.
Protein change: p.Gly33Asp; replaces glycine 33 with aspartic acid.
Molecular consequence: missense variant.
Genome position (GRCh38, 1-based): chr16:29,813,152, G>A. VCF-style: chr16-29813152-G-A. GRCh37 (hg19) VCF-style: chr16-29824473-G-A.
Other names: c.98G>A, p.Gly33Asp (NM_001256442.2, NM_001256443.2); short protein forms G33D.
Identifiers: ClinVar variation 1357817 (VCV001357817.8), dbSNP rs1900061718, ClinGen allele CA395477274.
Genomic context (GRCh38, chr16:29,813,152, plus strand): 5'-GGGTTGAGGAGAGTCCCAAGGTTCCAGGCGAAGGGCCTGGCCATTCTGAAGCTGAAACTG[G>A]CCCTCCCCAGGTCCTAGCAGGGGTACCAGACCAGCCAGAGGCCCCGCAGCCAGGTCCAAA-3'
Protein context (NP_660282.2, residues 23-43): EGPGHSEAET[Gly33Asp]PPQVLAGVPD